The following is an entry in ClinVar:

ClinVar aggregate classification (germline): Uncertain significance (1 of 4 stars; one submission).

gnomAD v4.1: 2 of 1,612,326 alleles (0.00012%); highest among the groups gnomAD compares: Non-Finnish European, 0.00017%; no homozygotes.

Submission:

Labcorp Genetics (formerly Invitae), Labcorp
Classification: Uncertain significance. Last evaluated: 2024-02-15. Review status: criteria provided, single submitter. Criteria: Invitae Variant Classification Sherloc (09022015). Collection method: clinical testing. Allele origin: germline.
Comment: This sequence change replaces glycine, which is neutral and non-polar, with serine, which is neutral and polar, at codon 1252 of the FOCAD protein (p.Gly1252Ser). This variant is present in population databases (no rsID available, gnomAD 0.002%). This variant has not been reported in the literature in individuals affected with FOCAD-related conditions. Algorithms developed to predict the effect of missense changes on protein structure and function output the following: SIFT: "Not Available"; PolyPhen-2: "Not Available"; Align-GVGD: "Not Available". The serine amino acid residue is found in multiple mammalian species, which suggests that this missense change does not adversely affect protein function. In summary, the available evidence is currently insufficient to determine the role of this variant in disease. Therefore, it has been classified as a Variant of Uncertain Significance.

NM_001375567.1(FOCAD):c.3754G>A (p.Gly1252Ser)

Gene: FOCAD (focadhesin; plus strand). Cytogenetic location: 9p21.3.
Variant type: single nucleotide variant.
Coding change: c.3754G>A on transcript NM_001375567.1 (MANE Select); coding-DNA position 3754, G replaced by A.
Protein change: p.Gly1252Ser; replaces glycine 1252 with serine.
Molecular consequence: missense variant.
Genome position (GRCh38, 1-based): chr9:20,948,349, G>A. VCF-style: chr9-20948349-G-A. GRCh37 (hg19) VCF-style: chr9-20948348-G-A.
Other names: c.3649G>A, p.Gly1217Ser (NM_001375568.1, NM_001375570.1); c.3754G>A, p.Gly1252Ser (NM_017794.5); short protein forms G1217S, G1252S.
Identifiers: ClinVar variation 3641109 (VCV003641109.2).